The following is an entry in ClinVar:

NM_001851.6(COL9A1):c.2260-20T>C

Gene: COL9A1 (collagen type IX alpha 1 chain; minus strand). Cytogenetic location: 6q13.
Variant type: single nucleotide variant.
Coding change: c.2260-20T>C on transcript NM_001851.6 (MANE Select); 20 bases into the intron before coding-DNA position 2260, T replaced by C.
Molecular consequence: intron variant.
Genome position (GRCh38, 1-based): chr6:70,234,613, A>G on the plus strand (T>C on the coding strand, the complement: COL9A1 is on the minus strand). VCF-style: chr6-70234613-A-G. GRCh37 (hg19) VCF-style: chr6-70944316-A-G.
Other names: c.1384-20T>C (NM_001377290.1); c.1531-20T>C (NM_078485.4); c.1561-20T>C (NM_001377289.1).
Identifiers: ClinVar variation 392811 (VCV000392811.6), dbSNP rs778775136, ClinGen allele CA3881808.
Genomic context (GRCh38, chr6:70,234,613, plus strand): 5'-ATGCAAACCTGCTTAATGTGCTGATCTGTCGGTGCTCTACCCTGGGACAGAAAAGAAAAA[A>G]AGGCAGTTTATGCATGAAACCATAAAGAGAACATTGTTAAGTTGTAAACTGACAGACTCT-3'

ClinVar aggregate classification (germline): Likely benign. Review status: criteria provided, multiple submitters, no conflicts (2 of 4 stars). 3 submissions from 3 submitters: Likely benign (3). Last evaluated 2025-11-13.

Allele frequency attached by ClinVar (database versions not stated): ExAC 0.00002; gnomAD 0.00002; gnomAD exomes 0.00002 and 0.00004; TOPMed 0.00002.
gnomAD v4.1: 54 of 1,614,082 alleles (0.0033%); highest among the groups gnomAD compares: Non-Finnish European, 0.0043%; no homozygotes.

Submissions (3):

Labcorp Genetics (formerly Invitae), Labcorp
Classification: Likely benign. Last evaluated: 2025-11-13. Review status: criteria provided, single submitter. Criteria: Invitae Variant Classification Sherloc (09022015). Collection method: clinical testing. Allele origin: germline.

Blueprint Genetics
Classification: Likely benign. Last evaluated: 2020-01-21. Review status: criteria provided, single submitter. Criteria: ACMG Guidelines, 2015. Collection method: clinical testing. Allele origin: germline.

GeneDx
Classification: Likely benign. Last evaluated: 2017-01-11. Review status: criteria provided, single submitter. Criteria: GeneDx Variant Classification (06012015). Collection method: clinical testing. Allele origin: germline. Affected: yes.
Comment: This variant is considered likely benign or benign based on one or more of the following criteria: it is a conservative change, it occurs at a poorly conserved position in the protein, it is predicted to be benign by multiple in silico algorithms, and/or has population frequency not consistent with disease.